The following is an entry in ClinVar:

NM_021224.6(ZNF462):c.929G>A (p.Arg310Gln)

Gene: ZNF462 (zinc finger protein 462; plus strand). Cytogenetic location: 9q31.2.
Variant type: single nucleotide variant.
Coding change: c.929G>A on transcript NM_021224.6 (MANE Select); coding-DNA position 929, G replaced by A.
Protein change: p.Arg310Gln; replaces arginine 310 with glutamine.
Molecular consequence: missense variant.
Genome position (GRCh38, 1-based): chr9:106,924,841, G>A. VCF-style: chr9-106924841-G-A. GRCh37 (hg19) VCF-style: chr9-109687122-G-A.
Other names: c.929G>A, p.Arg310Gln (NM_001347997.2); c.929G>A (NM_021224.4); short protein forms R310Q.
Identifiers: ClinVar variation 3388442 (VCV003388442.15).

ClinVar aggregate classification (germline): Conflicting classifications of pathogenicity. Review status: criteria provided, conflicting classifications (1 of 4 stars). 2 submissions from 2 submitters: Uncertain significance (1); Likely benign (1). Last evaluated 2025-02-08.

Conditions:
Inborn genetic diseases. Identifiers: MedGen C0950123, MeSH D030342.

gnomAD v4.1: 45 of 1,614,004 alleles (0.0028%); highest among the groups gnomAD compares: Middle Eastern, 0.016%; no homozygotes.

Submissions (2):

Ambry Genetics
Classification: Uncertain significance for Inborn genetic diseases. Last evaluated: 2025-02-08. Review status: criteria provided, single submitter. Criteria: Ambry Variant Classification Scheme 2023. Collection method: clinical testing. Allele origin: germline.

CeGaT Center for Human Genetics Tuebingen
Classification: Likely benign. Last evaluated: 2024-10-01. Review status: criteria provided, single submitter. Criteria: CeGaT Center For Human Genetics Tuebingen Variant Classification Criteria Version 2. Collection method: clinical testing. Allele origin: germline. Affected: yes. Observed: 1 variant allele.
Comment: ZNF462: BP4